The following is an entry in ClinVar:

ClinVar aggregate classification (germline): Uncertain significance (1 of 4 stars; one submission).

Allele frequency attached by ClinVar (database versions not stated): TOPMed below 0.00001.

Submission:

Labcorp Genetics (formerly Invitae), Labcorp
Classification: Uncertain significance. Last evaluated: 2021-10-28. Review status: criteria provided, single submitter. Criteria: Invitae Variant Classification Sherloc (09022015). Collection method: clinical testing. Allele origin: germline.
Comment: This variant has not been reported in the literature in individuals affected with AAAS-related conditions. In summary, the available evidence is currently insufficient to determine the role of this variant in disease. Therefore, it has been classified as a Variant of Uncertain Significance. Algorithms developed to predict the effect of missense changes on protein structure and function (SIFT, PolyPhen-2, Align-GVGD) all suggest that this variant is likely to be tolerated. This variant is not present in population databases (gnomAD no frequency). This sequence change replaces threonine, which is neutral and polar, with isoleucine, which is neutral and non-polar, at codon 459 of the AAAS protein (p.Thr459Ile).

NM_015665.6(AAAS):c.1376C>T (p.Thr459Ile)

Gene: AAAS (aladin WD repeat nucleoporin; minus strand). Cytogenetic location: 12q13.13.
Variant type: single nucleotide variant.
Coding change: c.1376C>T on transcript NM_015665.6 (MANE Select); coding-DNA position 1376, C replaced by T.
Protein change: p.Thr459Ile; replaces threonine 459 with isoleucine.
Molecular consequence: missense variant.
Genome position (GRCh38, 1-based): chr12:53,307,885, G>A on the plus strand (C>T on the coding strand, the complement: AAAS is on the minus strand). VCF-style: chr12-53307885-G-A. GRCh37 (hg19) VCF-style: chr12-53701669-G-A.
Other names: c.1277C>T, p.Thr426Ile (NM_001173466.2); short protein forms T459I, T426I.
Identifiers: ClinVar variation 1500187 (VCV001500187.6), dbSNP rs1565776297, ClinGen allele CA385037875.